The following is an entry in ClinVar:

ClinVar aggregate classification (germline): Uncertain significance. Review status: criteria provided, multiple submitters, no conflicts (2 of 4 stars). 3 submissions from 3 submitters: Uncertain significance (3). Last evaluated 2024-12-13.

Conditions:
Hereditary breast ovarian cancer syndrome. Also called: Hereditary breast and ovarian cancer; Hereditary breast and ovarian cancer syndrome; Breast and ovarian cancer; BRCA1- and BRCA2-Associated Hereditary Breast and Ovarian Cancer; Hereditary breast and ovarian cancer syndrome (HBOC); Hereditary breast and/or ovarian cancer syndrome. Identifiers: Orphanet 145, MedGen C0677776, MeSH D061325, MONDO:0003582. Disease mechanism: loss of function.
Familial cancer of breast. Also called: hereditary breast carcinoma; Hereditary breast cancer; BREAST CANCER, FAMILIAL. Identifiers: Orphanet 227535, MedGen C0346153, MONDO:0016419, OMIM 114480. Disease mechanism: loss of function.
Hereditary cancer-predisposing syndrome. Also called: Hereditary Cancer Syndrome; Hereditary neoplastic syndrome; Tumor predisposition; Neoplastic Syndromes, Hereditary. Identifiers: Orphanet 140162, MedGen C0027672, MeSH D009386, MONDO:0015356.

Allele frequency attached by ClinVar (database versions not stated): gnomAD exomes below 0.00001; ExAC 0.00001.
gnomAD v4.1: 1 of 1,613,574 alleles (0.000062%); highest among the groups gnomAD compares: Non-Finnish European, 0.000085%; no homozygotes.

Submissions (3):

Ambry Genetics
Classification: Uncertain significance for Hereditary cancer-predisposing syndrome. Last evaluated: 2024-12-13. Review status: criteria provided, single submitter. Criteria: Ambry Variant Classification Scheme 2023. Collection method: clinical testing. Allele origin: germline.
Comment: The p.I2437V variant (also known as c.7309A>G), located in coding exon 13 of the BRCA2 gene, results from an A to G substitution at nucleotide position 7309. The isoleucine at codon 2437 is replaced by valine, an amino acid with highly similar properties. This amino acid position is not well conserved in available vertebrate species. In addition, this alteration is predicted to be tolerated by in silico analysis. Based on the available evidence, the clinical significance of this variant remains unclear.

Labcorp Genetics (formerly Invitae), Labcorp
Classification: Uncertain significance for Hereditary breast ovarian cancer syndrome. Last evaluated: 2024-04-16. Review status: criteria provided, single submitter. Criteria: Invitae Variant Classification Sherloc (09022015). Collection method: clinical testing. Allele origin: germline.
Comment: This sequence change replaces isoleucine, which is neutral and non-polar, with valine, which is neutral and non-polar, at codon 2437 of the BRCA2 protein (p.Ile2437Val). This variant is present in population databases (rs771175403, gnomAD 0.002%). This missense change has been observed in individual(s) with clinical features of BRCA2-related conditions (PMID: 34284872). ClinVar contains an entry for this variant (Variation ID: 1401404). Advanced modeling of protein sequence and biophysical properties (such as structural, functional, and spatial information, amino acid conservation, physicochemical variation, residue mobility, and thermodynamic stability) performed at Invitae indicates that this missense variant is not expected to disrupt BRCA2 protein function with a negative predictive value of 95%. In summary, the available evidence is currently insufficient to determine the role of this variant in disease. Therefore, it has been classified as a Variant of Uncertain Significance.

Baylor Genetics
Classification: Uncertain significance for Familial cancer of breast. Last evaluated: 2023-11-07. Review status: criteria provided, single submitter. Criteria: ACMG Guidelines, 2015. Collection method: clinical testing. Allele origin: unknown.

Literature cited by the submitters: PubMed 34284872 (cited by Labcorp Genetics (formerly Invitae), Labcorp).

NM_000059.4(BRCA2):c.7309A>G (p.Ile2437Val)

Gene: BRCA2 (BRCA2 DNA repair associated; plus strand). Cytogenetic location: 13q13.1.
Variant type: single nucleotide variant.
Coding change: c.7309A>G on transcript NM_000059.4 (MANE Select); coding-DNA position 7309, A replaced by G.
Protein change: p.Ile2437Val; replaces isoleucine 2437 with valine.
Molecular consequence: missense variant.
Genome position (GRCh38, 1-based): chr13:32,355,162, A>G. VCF-style: chr13-32355162-A-G. GRCh37 (hg19) VCF-style: chr13-32929299-A-G.
Other names: c.7309A>G (NM_000059.3); short protein forms I2437V.
Identifiers: ClinVar variation 1401404 (VCV001401404.10), dbSNP rs771175403, ClinGen allele CA6941078.